The following is an entry in ClinVar:

ClinVar aggregate classification (germline): Benign/Likely benign. Review status: criteria provided, multiple submitters, no conflicts (2 of 4 stars). 3 submissions from 3 submitters: Benign (1); Likely benign (2). Last evaluated 2025-01-06.

Conditions:
Hereditary cancer-predisposing syndrome. Also called: Tumor predisposition; Hereditary Cancer Syndrome; Hereditary neoplastic syndrome; Neoplastic Syndromes, Hereditary. Identifiers: Orphanet 140162, MedGen C0027672, MeSH D009386, MONDO:0015356.
Hereditary nonpolyposis colorectal neoplasms. Identifiers: MedGen C0009405, MeSH D003123.
Lynch syndrome 5 (LYNCH5). Also called: Colorectal cancer, hereditary nonpolyposis, type 5; Hereditary non-polyposis colorectal cancer, type 5. Identifiers: Orphanet 144, MedGen C1833477, MONDO:0013710, OMIM 614350. Disease mechanism: loss of function.

Submissions (3):

Myriad Genetics, Inc.
Classification: Benign for Lynch syndrome 5. Last evaluated: 2025-01-06. Review status: criteria provided, single submitter. Criteria: Myriad Autosomal Dominant, Autosomal Recessive and X-Linked Classification Criteria (2023). Collection method: clinical testing. Allele origin: unknown.
Comment: This variant is considered benign. This variant is a silent/synonymous amino acid change and it is not expected to impact splicing.

Labcorp Genetics (formerly Invitae), Labcorp
Classification: Likely benign for Hereditary nonpolyposis colorectal neoplasms. Last evaluated: 2024-11-16. Review status: criteria provided, single submitter. Criteria: Invitae Variant Classification Sherloc (09022015). Collection method: clinical testing. Allele origin: germline.

Ambry Genetics
Classification: Likely benign for Hereditary cancer-predisposing syndrome. Last evaluated: 2018-06-21. Review status: criteria provided, single submitter. Criteria: Ambry Variant Classification Scheme 2023. Collection method: clinical testing. Allele origin: germline.

NM_000179.3(MSH6):c.3285C>T (p.Arg1095=)

Gene: MSH6 (mutS homolog 6; plus strand). Cytogenetic location: 2p16.3.
Variant type: single nucleotide variant.
Coding change: c.3285C>T on transcript NM_000179.3 (MANE Select); coding-DNA position 3285, C replaced by T.
Protein change: p.Arg1095=; no amino-acid change (arginine 1095 retained).
Molecular consequence: synonymous variant.
Genome position (GRCh38, 1-based): chr2:47,803,532, C>T. VCF-style: chr2-47803532-C-T. GRCh37 (hg19) VCF-style: chr2-48030671-C-T.
Other names: c.2895C>T, p.Arg965= (NM_001281492.2); c.2379C>T, p.Arg793= (NM_001281493.2, NM_001281494.2).
Identifiers: ClinVar variation 183932 (VCV000183932.9), dbSNP rs786201168, ClinGen allele CA012453.